The following is an entry in ClinVar:

NM_145886.4(PIDD1):c.1918-2A>G

Gene: PIDD1 (p53-induced death domain protein 1; minus strand). Cytogenetic location: 11p15.5.
Variant type: single nucleotide variant.
Coding change: c.1918-2A>G on transcript NM_145886.4 (MANE Select); the canonical splice acceptor site of the intron before coding-DNA position 1918, A replaced by G.
Molecular consequence: splice acceptor variant.
Genome position (GRCh38, 1-based): chr11:800,668, T>C on the plus strand (A>G on the coding strand, the complement: PIDD1 is on the minus strand). VCF-style: chr11-800668-T-C. GRCh37 (hg19) VCF-style: chr11-800668-T-C.
Other names: c.1918-2A>G (NM_145887.4).
Identifiers: ClinVar variation 5005004 (VCV005005004.2).
Genomic context (GRCh38, chr11:800,668, plus strand): 5'-GTGTCAGAGGGCTCGGGGCCCCGGTACCGCTCCAGCAGCCGCCGAAGGGTGGCGTCCACC[T>C]GCGGGGAAGCCCGTGCAGCTCAGGACCCAAAGCTCTGCACCCCACCCCAGCCCTCTGGTC-3'

ClinVar aggregate classification (germline): Likely pathogenic (1 of 4 stars; one submission).

Conditions:
Intellectual developmental disorder, autosomal recessive 75, with neuropsychiatric features and variant lissencephaly (MRT75). Identifiers: MedGen C5676961, MONDO:0030785, OMIM 619827.

gnomAD v4.1: 2 of 1,579,402 alleles (0.00013%); highest among the groups gnomAD compares: East Asian, 0.0046%; no homozygotes.

Submission:

Juno Genomics, Hangzhou Juno Genomics, Inc
Classification: Likely pathogenic for Intellectual developmental disorder, autosomal recessive 75, with neuropsychiatric features and variant lissencephaly. Review status: criteria provided, single submitter. Criteria: ACMG Guidelines, 2015. Collection method: clinical testing. Allele origin: germline.
Comment: Null variant in a gene where loss of function (LOF) is a known mechanism of disease.;Absent from controls (or at extremely low frequency if recessive) in Genome Aggregation Database.